The following is an entry in ClinVar:

NM_000059.4(BRCA2):c.4183G>C (p.Ala1395Pro)

Gene: BRCA2 (BRCA2 DNA repair associated; plus strand). Cytogenetic location: 13q13.1.
Variant type: single nucleotide variant.
Coding change: c.4183G>C on transcript NM_000059.4 (MANE Select); coding-DNA position 4183, G replaced by C.
Protein change: p.Ala1395Pro; replaces alanine 1395 with proline.
Molecular consequence: missense variant. On other transcripts: non-coding transcript variant (1), intron variant (2).
Genome position (GRCh38, 1-based): chr13:32,338,538, G>C. VCF-style: chr13-32338538-G-C. GRCh37 (hg19) VCF-style: chr13-32912675-G-C.
Other names: c.4183G>C, p.Ala1395Pro (NM_001406719.1, NM_001406720.1, NM_001432077.1); c.1909+5151G>C (NM_001406721.1); c.425-6020G>C (NM_001406722.1); short protein forms A1395P.
Identifiers: ClinVar variation 3893827 (VCV003893827.1).

ClinVar aggregate classification (germline): Uncertain significance (1 of 4 stars; one submission).

Conditions:
Hereditary cancer-predisposing syndrome. Also called: Neoplastic Syndromes, Hereditary; Tumor predisposition; Hereditary Cancer Syndrome; Hereditary neoplastic syndrome. Identifiers: Orphanet 140162, MedGen C0027672, MeSH D009386, MONDO:0015356.

Submission:

Color Diagnostics, LLC DBA Color Health
Classification: Uncertain significance for Hereditary cancer-predisposing syndrome. Last evaluated: 2024-05-31. Review status: criteria provided, single submitter. Criteria: ACMG Guidelines, 2015. Collection method: clinical testing. Allele origin: germline.
Comment: This missense variant replaces alanine with proline at codon 1395 of the BRCA2 protein. Computational prediction suggests that this variant may not impact protein structure and function (internally defined REVEL score threshold <= 0.5, PMID: 27666373). To our knowledge, functional studies have not been reported for this variant. This variant has not been reported in individuals affected with BRCA2-related disorders in the literature. This variant has not been identified in the general population by the Genome Aggregation Database (gnomAD). The available evidence is insufficient to determine the role of this variant in disease conclusively. Therefore, this variant is classified as a Variant of Uncertain Significance.